The following is an entry in ClinVar:

ClinVar aggregate classification (germline): Likely pathogenic. Review status: criteria provided, multiple submitters, no conflicts (2 of 4 stars). 6 submissions from 6 submitters: Likely pathogenic (6). Last evaluated 2025-10-30.

Conditions:
Hereditary cancer-predisposing syndrome. Also called: Hereditary neoplastic syndrome; Neoplastic Syndromes, Hereditary; Tumor predisposition; Hereditary Cancer Syndrome. Identifiers: Orphanet 140162, MedGen C0027672, MeSH D009386, MONDO:0015356.
Breast-ovarian cancer, familial, susceptibility to, 3. Also called: RAD51C-Related Breast/Ovarian Cancer. Identifiers: Orphanet 145, MedGen C3150659, MONDO:0013253, OMIM 613399.
Fanconi anemia complementation group O. Also called: RAD51C-Related Fanconi Anemia. Identifiers: Orphanet 84, MedGen C3150653, MONDO:0013248, OMIM 613390.

Allele frequency attached by ClinVar (database versions not stated): gnomAD exomes below 0.00001; TOPMed 0.00001.
gnomAD v4.1: 1 of 1,607,932 alleles (0.000062%); highest among the groups gnomAD compares: South Asian, 0.0011%; no homozygotes.

Submissions (6):

Color Diagnostics, LLC DBA Color Health
Classification: Likely pathogenic for Hereditary cancer-predisposing syndrome. Last evaluated: 2025-10-30. Review status: criteria provided, single submitter. Criteria: ACMG Guidelines, 2015. Collection method: clinical testing. Allele origin: germline.
Comment: This variant causes an A to G substitution at the -2 position of intron 5 in the RAD51C gene. Splice site prediction tools suggest that this variant may have a significant impact on RNA splicing and it is expected to result in an absent or disrupted protein product. A study using a minigene assay showed that this variant caused out-of-frame skipping of exon 6 (PMID: 35740625). This variant has been reported in an individual affected with both fallopian tube cancer and breast cancer (PMID: 38360632). This variant has been identified in 1/1455720 chromosomes in the general population by the Genome Aggregation Database (gnomAD). Based on the available evidence, this variant is classified as Likely Pathogenic.

Ambry Genetics
Classification: Likely pathogenic for Hereditary cancer-predisposing syndrome. Last evaluated: 2025-10-29. Review status: criteria provided, single submitter. Criteria: Ambry Variant Classification Scheme 2023. Collection method: clinical testing. Allele origin: germline.
Comment: The c.838-2A>G intronic variant results from an A to G substitution two nucleotides upstream from coding exon 6 in the RAD51C gene. This variant was identified in an individual diagnosed with breast and ovarian cancer (Yuan H et al. Hered Cancer Clin Pract, 2024 Feb;22:2). This variant is considered to be rare based on population cohorts in the Genome Aggregation Database (gnomAD). This nucleotide position is highly conserved in available vertebrate species. In silico splice site analysis predicts that this alteration will weaken the native splice acceptor site; however, direct evidence is insufficient at this time (Ambry internal data). Alterations that disrupt the canonical splice site are expected to cause aberrant splicing, resulting in an abnormal protein or a transcript that is subject to nonsense-mediated mRNA decay. As such, this alteration is classified as likely pathogenic mutation.

Myriad Genetics, Inc.
Classification: Likely pathogenic for Breast-ovarian cancer, familial, susceptibility to, 3. Last evaluated: 2024-01-03. Review status: criteria provided, single submitter. Criteria: Myriad Autosomal Dominant, Autosomal Recessive and X-Linked Classification Criteria (2023). Collection method: clinical testing. Allele origin: unknown.
Comment: This variant is considered likely pathogenic. This variant occurs within a consensus splice junction and is predicted to result in abnormal mRNA splicing of either an out-of-frame exon or an in-frame exon necessary for protein stability and/or normal function.

GeneDx
Classification: Likely pathogenic. Last evaluated: 2022-06-13. Review status: criteria provided, single submitter. Criteria: GeneDx Variant Classification Process June 2021. Collection method: clinical testing. Allele origin: germline. Affected: yes.
Comment: Canonical splice site variant predicted to result in a null allele in a gene for which loss of function is a known mechanism of disease; Not observed at significant frequency in large population cohorts (gnomAD); Has not been previously published as pathogenic or benign to our knowledge

Baylor Genetics
Classification: Likely pathogenic for Breast-ovarian cancer, familial, susceptibility to, 3. Last evaluated: 2022-06-07. Review status: criteria provided, single submitter. Criteria: ACMG Guidelines, 2015. Collection method: clinical testing. Allele origin: unknown.

Labcorp Genetics (formerly Invitae), Labcorp
Classification: Likely pathogenic for Fanconi anemia complementation group O. Last evaluated: 2017-10-10. Review status: criteria provided, single submitter. Criteria: Invitae Variant Classification Sherloc (09022015). Collection method: clinical testing. Allele origin: germline.
Comment: In summary, the currently available evidence indicates that the variant is pathogenic, but additional data are needed to prove that conclusively. Therefore, this variant has been classified as Likely Pathogenic. Donor and acceptor splice site variants typically lead to a loss of protein function (PMID: 16199547), and loss-of-function variants in RAD51C are known to be pathogenic (PMID: 20400964, 21990120, 24800917). This variant has not been reported in the literature in individuals with RAD51C-related disease. This variant is not present in population databases (ExAC no frequency). This sequence change affects an acceptor splice site in intron 5 of the RAD51C gene. It is expected to disrupt RNA splicing and likely results in an absent or disrupted protein product.

Literature cited by the submitters: PubMed 35740625 (cited by Color Diagnostics, LLC DBA Color Health); PubMed 38360632 (cited by Color Diagnostics, LLC DBA Color Health and Ambry Genetics); PubMed 16199547 (cited by Labcorp Genetics (formerly Invitae), Labcorp); PubMed 20400964 (cited by Labcorp Genetics (formerly Invitae), Labcorp); PubMed 21990120 (cited by Labcorp Genetics (formerly Invitae), Labcorp); PubMed 24800917 (cited by Labcorp Genetics (formerly Invitae), Labcorp).

NM_058216.3(RAD51C):c.838-2A>G

Gene: RAD51C (RAD51 paralog C; plus strand). Cytogenetic location: 17q22.
Variant type: single nucleotide variant.
Coding change: c.838-2A>G on transcript NM_058216.3 (MANE Select); the canonical splice acceptor site of the intron before coding-DNA position 838, A replaced by G.
Molecular consequence: splice acceptor variant.
Genome position (GRCh38, 1-based): chr17:58,720,744, A>G. VCF-style: chr17-58720744-A-G. GRCh37 (hg19) VCF-style: chr17-56798105-A-G.
Identifiers: ClinVar variation 480508 (VCV000480508.16), dbSNP rs748589398, ClinGen allele CA400359301.
Genomic context (GRCh38, chr17:58,720,744, plus strand): 5'-ACTGGTCTACTTGATAATTTTCAAAGAGACTCACCTAATTTTCTTACATTTTGTTTTTGT[A>G]GGTAATTTTAACCAATCAGATGACAACAAAGATTGATAGAAATCAGGCCTTGCTTGTTCC-3'